The following is an entry in ClinVar:

NM_001371623.1(TCOF1):c.3530C>G (p.Pro1177Arg)

Gene: TCOF1 (treacle ribosome biogenesis factor 1; plus strand). Cytogenetic location: 5q32.
Variant type: single nucleotide variant.
Coding change: c.3530C>G on transcript NM_001371623.1 (MANE Select); coding-DNA position 3530, C replaced by G.
Protein change: p.Pro1177Arg; replaces proline 1177 with arginine.
Molecular consequence: missense variant.
Genome position (GRCh38, 1-based): chr5:150,392,717, C>G. VCF-style: chr5-150392717-C-G. GRCh37 (hg19) VCF-style: chr5-149772280-C-G.
Other names: c.3296C>G, p.Pro1099Arg (NM_000356.4); c.3527C>G, p.Pro1176Arg (NM_001135243.2); c.3416C>G, p.Pro1139Arg (NM_001135244.2); c.3299C>G, p.Pro1100Arg (NM_001135245.2); c.3413C>G, p.Pro1138Arg (NM_001195141.2); short protein forms P1099R, P1176R, P1138R, P1100R, P1139R, P1177R.
Identifiers: ClinVar variation 130571 (VCV000130571.17), dbSNP rs1136103, ClinGen allele CA155682.

ClinVar aggregate classification (germline): Benign. Review status: criteria provided, multiple submitters, no conflicts (2 of 4 stars). 5 submissions from 5 submitters: Benign (4). 1 of the submissions does not count toward it. Last evaluated 2026-02-02.

Conditions:
Treacher Collins syndrome 1 (TCS1). Also called: TCOF1-Related Treacher Collins Syndrome. Identifiers: Orphanet 861, MedGen CN315775, MONDO:0007944, OMIM 154500.

Allele frequency attached by ClinVar (database versions not stated): ESP Exome Variant Server 0.17061; 1000 Genomes Project 30x 0.08120; 1000 Genomes Project 0.08147; TOPMed 0.14943; gnomAD 0.15799.
gnomAD v4.1: 325,539 of 1,613,690 alleles (20%); highest among the groups gnomAD compares: Non-Finnish European, 23%; 36,460 homozygotes.

Submissions (5):

Labcorp Genetics (formerly Invitae), Labcorp
Classification: Benign for Treacher Collins syndrome 1. Last evaluated: 2026-02-02. Review status: criteria provided, single submitter. Criteria: Invitae Variant Classification Sherloc (09022015). Collection method: clinical testing. Allele origin: germline.

Mayo Clinic Laboratories, Mayo Clinic
Classification: Benign. Last evaluated: 2021-02-19. Review status: criteria provided, single submitter. Criteria: ACMG Guidelines, 2015. Collection method: clinical testing. Allele origin: germline. Observed: 64 variant alleles.

GeneDx
Classification: Benign. Last evaluated: 2015-03-03. Review status: criteria provided, single submitter. Criteria: GeneDx Variant Classification Process June 2021. Collection method: clinical testing. Allele origin: germline. Affected: yes.

PreventionGenetics, part of Exact Sciences
Classification: Benign. Review status: criteria provided, single submitter. Criteria: ACMG Guidelines, 2015. Collection method: clinical testing. Allele origin: germline.

Genetic Services Laboratory, University of Chicago
Classification: Likely benign for AllHighlyPenetrant. Review status: no assertion criteria provided. Collection method: clinical testing. Allele origin: germline. Inheritance: Autosomal dominant inheritance. Not counted in ClinVar's aggregate classification.
Comment: Likely benign based on allele frequency in 1000 Genomes Project or ESP global frequency and its presence in a patient with a rare or unrelated disease phenotype. NOT Sanger confirmed.